The following is an entry in ClinVar:

NM_000384.3(APOB):c.6589G>T (p.Ala2197Ser)

Gene: APOB (apolipoprotein B; minus strand). Cytogenetic location: 2p24.1.
Variant type: single nucleotide variant.
Coding change: c.6589G>T on transcript NM_000384.3 (MANE Select); coding-DNA position 6589, G replaced by T.
Protein change: p.Ala2197Ser; replaces alanine 2197 with serine.
Molecular consequence: missense variant.
Genome position (GRCh38, 1-based): chr2:21,010,279, C>A on the plus strand (G>T on the coding strand, the complement: APOB is on the minus strand). VCF-style: chr2-21010279-C-A. GRCh37 (hg19) VCF-style: chr2-21233151-C-A.
Other names: short protein forms A2197S.
Identifiers: ClinVar variation 4862718 (VCV004862718.1).

ClinVar aggregate classification (germline): Uncertain significance (1 of 4 stars; one submission).

Conditions:
Cardiovascular phenotype. Identifiers: MedGen CN230736.

Submission:

Ambry Genetics
Classification: Uncertain significance for Cardiovascular phenotype. Last evaluated: 2026-05-24. Review status: criteria provided, single submitter. Criteria: Ambry Variant Classification Scheme 2023. Collection method: clinical testing. Allele origin: germline.
Comment: The p.A2197S variant (also known as c.6589G>T), located in coding exon 26 of the APOB gene, results from a G to T substitution at nucleotide position 6589. The alanine at codon 2197 is replaced by serine, an amino acid with similar properties. This amino acid position is conserved. In addition, this alteration is predicted to be tolerated by in silico analysis. Based on the available evidence, the clinical significance of this variant remains unclear.